The following is an entry in ClinVar:

ClinVar aggregate classification (germline): Uncertain significance. Review status: criteria provided, multiple submitters, no conflicts (2 of 4 stars). 2 submissions from 2 submitters: Uncertain significance (2). Last evaluated 2024-01-04.

Allele frequency attached by ClinVar (database versions not stated): gnomAD exomes below 0.00001.

Submissions (2):

Blueprint Genetics
Classification: Uncertain significance. Last evaluated: 2024-01-04. Review status: criteria provided, single submitter. Criteria: ACMG Guidelines, 2015. Collection method: clinical testing. Allele origin: germline.

Labcorp Genetics (formerly Invitae), Labcorp
Classification: Uncertain significance. Last evaluated: 2022-08-03. Review status: criteria provided, single submitter. Criteria: Invitae Variant Classification Sherloc (09022015). Collection method: clinical testing. Allele origin: germline.
Comment: This variant is not present in population databases (gnomAD no frequency). In summary, the available evidence is currently insufficient to determine the role of this variant in disease. Therefore, it has been classified as a Variant of Uncertain Significance. This variant has not been reported in the literature in individuals affected with CSF2RB-related conditions. This sequence change creates a premature translational stop signal (p.Trp152Glyfs*113) in the CSF2RB gene. It is expected to result in an absent or disrupted protein product. However, the current clinical and genetic evidence is not sufficient to establish whether loss-of-function variants in CSF2RB cause disease.

NM_000395.3(CSF2RB):c.454del (p.Trp152fs)

Gene: CSF2RB (colony stimulating factor 2 receptor subunit beta; plus strand). Cytogenetic location: 22q12.3.
Variant type: Deletion.
Coding change: c.454del on transcript NM_000395.3 (MANE Select); coding-DNA position 454, one base deleted (T; older notation c.454delT).
Protein change: p.Trp152fs; shifts the reading frame from tryptophan 152.
Molecular consequence: frameshift variant.
Genome position (GRCh38, 1-based): chr22:36,929,464, T deleted. VCF-style (leftmost placement, unchanged base first): chr22-36929463-CT-C. GRCh37 (hg19) VCF-style: chr22-37325505-CT-C.
Other names: c.454delT, p.Trp152Glyfs (NM_001410827.1); short protein forms W152fs.
Identifiers: ClinVar variation 2021221 (VCV002021221.5), dbSNP rs2517989703, ClinGen allele CA2577704772.
Genomic context (GRCh38, chr22:36,929,463, plus strand): 5'-CCAGCCTCCTGAGCCCAGGGACCTGCAGATCAGCACCGACCAGGACCACTTCCTGCTGAC[CT>C]GGAGTGTGGCCCTTGGGAGTCCCCAGAGCCACTGGTTGTCCCCAGGGGATCTGGAGTTTG-3'